The following is an entry in ClinVar:

NM_001040108.2(MLH3):c.3979A>G (p.Ile1327Val)

Gene: MLH3 (mutL homolog 3; minus strand). Cytogenetic location: 14q24.3.
Variant type: single nucleotide variant.
Coding change: c.3979A>G on transcript NM_001040108.2 (MANE Select); coding-DNA position 3979, A replaced by G.
Protein change: p.Ile1327Val; replaces isoleucine 1327 with valine.
Molecular consequence: missense variant.
Genome position (GRCh38, 1-based): chr14:75,030,551, T>C on the plus strand (A>G on the coding strand, the complement: MLH3 is on the minus strand). VCF-style: chr14-75030551-T-C. GRCh37 (hg19) VCF-style: chr14-75497254-T-C.
Other names: c.3907A>G, p.Ile1303Val (NM_014381.3); short protein forms I1303V, I1327V.
Identifiers: ClinVar variation 1043444 (VCV001043444.13), dbSNP rs761250969, ClinGen allele CA263638290.

ClinVar aggregate classification (germline): Uncertain significance. Review status: criteria provided, multiple submitters, no conflicts (2 of 4 stars). 2 submissions from 2 submitters: Uncertain significance (2). Last evaluated 2025-10-14.

Conditions:
Colorectal cancer, hereditary nonpolyposis, type 7. Identifiers: Orphanet 144, MedGen C1858380, MONDO:0013725, OMIM 614385.

Allele frequency attached by ClinVar (database versions not stated): TOPMed below 0.00001; gnomAD 0.00001; gnomAD exomes 0.00001.
gnomAD v4.1: 18 of 1,614,020 alleles (0.0011%); highest among the groups gnomAD compares: Non-Finnish European, 0.0014%; no homozygotes.

Submissions (2):

Ambry Genetics
Classification: Uncertain significance. Last evaluated: 2025-10-14. Review status: criteria provided, single submitter. Criteria: Ambry Variant Classification Scheme 2023. Collection method: clinical testing. Allele origin: germline.
Comment: The p.I1327V variant (also known as c.3979A>G), located in coding exon 8 of the MLH3 gene, results from an A to G substitution at nucleotide position 3979. The isoleucine at codon 1327 is replaced by valine, an amino acid with highly similar properties. This amino acid position is conserved. In addition, this alteration is predicted to be tolerated by in silico analysis. The evidence for this gene-disease relationship is limited; therefore, the clinical significance of this alteration is unclear.

Labcorp Genetics (formerly Invitae), Labcorp
Classification: Uncertain significance for Colorectal cancer, hereditary nonpolyposis, type 7. Last evaluated: 2024-03-04. Review status: criteria provided, single submitter. Criteria: Invitae Variant Classification Sherloc (09022015). Collection method: clinical testing. Allele origin: germline.
Comment: This sequence change replaces isoleucine, which is neutral and non-polar, with valine, which is neutral and non-polar, at codon 1327 of the MLH3 protein (p.Ile1327Val). This variant is present in population databases (rs761250969, gnomAD 0.007%). This variant has not been reported in the literature in individuals affected with MLH3-related conditions. ClinVar contains an entry for this variant (Variation ID: 1043444). An algorithm developed to predict the effect of missense changes on protein structure and function (PolyPhen-2) suggests that this variant is likely to be tolerated. In summary, the available evidence is currently insufficient to determine the role of this variant in disease. Therefore, it has been classified as a Variant of Uncertain Significance.